The following is an entry in ClinVar:

NM_000601.6(HGF):c.1469C>T (p.Thr490Met)

Gene: HGF (hepatocyte growth factor; minus strand). Cytogenetic location: 7q21.11.
Variant type: single nucleotide variant.
Coding change: c.1469C>T on transcript NM_000601.6 (MANE Select); coding-DNA position 1469, C replaced by T.
Protein change: p.Thr490Met; replaces threonine 490 with methionine.
Molecular consequence: missense variant.
Genome position (GRCh38, 1-based): chr7:81,710,219, G>A on the plus strand (C>T on the coding strand, the complement: HGF is on the minus strand). VCF-style: chr7-81710219-G-A. GRCh37 (hg19) VCF-style: chr7-81339535-G-A.
Other names: c.1454C>T, p.Thr485Met (NM_001010932.3); short protein forms T485M, T490M.
Identifiers: ClinVar variation 2195033 (VCV002195033.5), dbSNP rs1192583398, ClinGen allele CA367873342.
Genomic context (GRCh38, chr7:81,710,219, plus strand): 5'-CTAACCATCCATCCTATGTTTGTTCGTGTTGGAATCCCATTTACAACTCGCAATTGTTTC[G>A]TTTTGGCACAAGATATTACGGGATCTGAAACAGGACCAAACATAACATTTTTTAAAATAA-3'
Protein context (NP_000592.3, residues 480-500): LDHPVISCAK[Thr490Met]KQLRVVNGIP

ClinVar aggregate classification (germline): Uncertain significance. Review status: criteria provided, multiple submitters, no conflicts (2 of 4 stars). 2 submissions from 2 submitters: Uncertain significance (2). Last evaluated 2025-10-30.

Conditions:
Primary lymphedema. Identifiers: Orphanet 77240, MedGen C5576443, MONDO:0019175.

Allele frequency attached by ClinVar (database versions not stated): gnomAD exomes below 0.00001; gnomAD 0.00001; TOPMed 0.00002.
gnomAD v4.1: 6 of 1,612,852 alleles (0.00037%); highest among the groups gnomAD compares: East Asian, 0.0022%; no homozygotes.

Submissions (2):

Clinical Genomics Laboratory, Washington University in St. Louis
Classification: Uncertain significance for Primary lymphedema. Last evaluated: 2025-10-30. Review status: criteria provided, single submitter. Criteria: ACMG Guidelines, 2015. Collection method: clinical testing. Allele origin: germline.
Comment: The HGF c.1469C>T (p.Thr490Met) variant, to our knowledge, has not been reported in the medical literature and is only observed in 1/251,206 alleles in the general population (gnomAD v2.1.1), indicating it is not a common variant. This variant has been reported in the ClinVar database as a variant of uncertain significance by one submitter. Computational predictors are uncertain as to the impact of this variant on HGF function. Due to limited information, and based on ACMG/AMP guidelines for variant interpretation (Richards S et al., PMID: 25741868), the clinical significance of this variant is uncertain at this time.

Labcorp Genetics (formerly Invitae), Labcorp
Classification: Uncertain significance. Last evaluated: 2023-03-23. Review status: criteria provided, single submitter. Criteria: Invitae Variant Classification Sherloc (09022015). Collection method: clinical testing. Allele origin: germline.
Comment: This sequence change replaces threonine, which is neutral and polar, with methionine, which is neutral and non-polar, at codon 490 of the HGF protein (p.Thr490Met). This variant is present in population databases (no rsID available, gnomAD 0.004%). This variant has not been reported in the literature in individuals affected with HGF-related conditions. ClinVar contains an entry for this variant (Variation ID: 2195033). An algorithm developed to predict the effect of missense changes on protein structure and function (PolyPhen-2) suggests that this variant is likely to be disruptive. In summary, the available evidence is currently insufficient to determine the role of this variant in disease. Therefore, it has been classified as a Variant of Uncertain Significance.